The following is an entry in ClinVar:

ClinVar aggregate classification (germline): Uncertain significance (1 of 4 stars; one submission).

Conditions:
Pallister-Hall syndrome (PHS). Also called: HYPOTHALAMIC HAMARTOBLASTOMA, HYPOPITUITARISM, IMPERFORATE ANUS, AND POSTAXIAL POLYDACTYLY; GLI3-Related Pallister-Hall Syndrome. Identifiers: Orphanet 672, MedGen C0265220, MONDO:0007804, OMIM 146510.
Greig cephalopolysyndactyly syndrome (GCPS). Also called: POLYSYNDACTYLY WITH PECULIAR SKULL SHAPE; Greig syndrome; GLI3-Related Greig Cephalopolysyndactyly Syndrome. Identifiers: Orphanet 380, MedGen C0265306, MONDO:0008287, OMIM 175700.

Allele frequency attached by ClinVar (database versions not stated): gnomAD exomes below 0.00001; gnomAD 0.00001; TOPMed 0.00002.
gnomAD v4.1: 2 of 1,612,670 alleles (0.00012%); highest among the groups gnomAD compares: African/African-American, 0.0013%; no homozygotes.

Submission:

Labcorp Genetics (formerly Invitae), Labcorp
Classification: Uncertain significance for Pallister-Hall syndrome; Greig cephalopolysyndactyly syndrome. Last evaluated: 2022-10-05. Review status: criteria provided, single submitter. Criteria: Invitae Variant Classification Sherloc (09022015). Collection method: clinical testing. Allele origin: germline.
Comment: In summary, the available evidence is currently insufficient to determine the role of this variant in disease. Therefore, it has been classified as a Variant of Uncertain Significance. Advanced modeling of protein sequence and biophysical properties (such as structural, functional, and spatial information, amino acid conservation, physicochemical variation, residue mobility, and thermodynamic stability) performed at Invitae indicates that this missense variant is not expected to disrupt GLI3 protein function. This variant has not been reported in the literature in individuals affected with GLI3-related conditions. This variant is not present in population databases (gnomAD no frequency). This sequence change replaces proline, which is neutral and non-polar, with serine, which is neutral and polar, at codon 806 of the GLI3 protein (p.Pro806Ser).

NM_000168.6(GLI3):c.2416C>T (p.Pro806Ser)

Gene: GLI3 (GLI family zinc finger 3; minus strand). Cytogenetic location: 7p14.1.
Variant type: single nucleotide variant.
Coding change: c.2416C>T on transcript NM_000168.6 (MANE Select); coding-DNA position 2416, C replaced by T.
Protein change: p.Pro806Ser; replaces proline 806 with serine.
Molecular consequence: missense variant.
Genome position (GRCh38, 1-based): chr7:41,967,611, G>A on the plus strand (C>T on the coding strand, the complement: GLI3 is on the minus strand). VCF-style: chr7-41967611-G-A. GRCh37 (hg19) VCF-style: chr7-42007209-G-A.
Other names: short protein forms P806S.
Identifiers: ClinVar variation 1911768 (VCV001911768.3), dbSNP rs919463456, ClinGen allele CA156908962.